The following is an entry in ClinVar:

ClinVar aggregate classification (germline): Uncertain significance (1 of 4 stars; one submission).

Submission:

GeneDx
Classification: Uncertain significance. Last evaluated: 2024-03-20. Review status: criteria provided, single submitter. Criteria: GeneDx Variant Classification Process June 2021. Collection method: clinical testing. Allele origin: germline. Affected: yes.
Comment: Not observed at significant frequency in large population cohorts (gnomAD); In silico analysis supports that this missense variant does not alter protein structure/function; Has not been previously published as pathogenic or benign to our knowledge

NM_001967.4(EIF4A2):c.1120A>T (p.Ile374Leu)

Gene: EIF4A2 (eukaryotic translation initiation factor 4A2; plus strand). Cytogenetic location: 3q27.3.
Variant type: single nucleotide variant.
Coding change: c.1120A>T on transcript NM_001967.4 (MANE Select); coding-DNA position 1120, A replaced by T.
Protein change: p.Ile374Leu; replaces isoleucine 374 with leucine.
Molecular consequence: missense variant.
Genome position (GRCh38, 1-based): chr3:186,789,165, A>T. VCF-style: chr3-186789165-A-T. GRCh37 (hg19) VCF-style: chr3-186506954-A-T.
Other names: short protein forms I374L.
Identifiers: ClinVar variation 3371012 (VCV003371012.1).